The following is an entry in ClinVar:

NM_000263.4(NAGLU):c.457_461delinsTAGAC (p.Glu153_Ile154delinsTer)

Gene: NAGLU (N-acetyl-alpha-glucosaminidase; plus strand). Cytogenetic location: 17q21.2.
Variant type: Indel.
Coding change: c.457_461delinsTAGAC on transcript NM_000263.4 (MANE Select); coding-DNA positions 457 to 461, GAGAT replaced by TAGAC.
Protein change: p.Glu153_Ile154delinsTer.
Molecular consequence: nonsense.
Genome position (GRCh38, 1-based): chr17:42,537,471-42,537,475, GAGAT replaced by TAGAC. VCF-style: chr17-42537471-GAGAT-TAGAC. GRCh37 (hg19) VCF-style: chr17-40689489-GAGAT-TAGAC.
Identifiers: ClinVar variation 4818040 (VCV004818040.1).

ClinVar aggregate classification (germline): Likely pathogenic (1 of 4 stars; one submission).

Conditions:
Mucopolysaccharidosis, MPS-III-B (MPS3B). Also called: MPS IIIB (Sanfilippo Syndrome Type B); N-ACETYL-ALPHA-D-GLUCOSAMINIDASE DEFICIENCY; NAGLU DEFICIENCY; SANFILIPPO SYNDROME B; MPS III B; Mucopolysaccharidosis type IIIB (Sanfilippo B). Identifiers: Orphanet 79270, MedGen C0086648, MONDO:0009656, OMIM 252920.

Submission:

Natera, Inc.
Classification: Likely pathogenic for Mucopolysaccharidosis type IIIB. Last evaluated: 2024-08-14. Review status: criteria provided, single submitter. Criteria: Natera Variant Classification Schema (03/2026). Collection method: clinical testing. Allele origin: germline.
Comment: The c.457_461delinsTAGAC variant in NAGLU is a deletion-insertion (delins) variant predicted to replace one or more nucleotides with a different sequence. This variant is expected to result in nonsense mediated decay, truncation, or a dysfunctional protein product. This variant is rare in the general population with a frequency below the threshold expected for the associated phenotype(s). Given the available evidence, this variant is classified as Likely Pathogenic.